The following is an entry in ClinVar:

ClinVar aggregate classification (germline): Uncertain significance (1 of 4 stars; one submission).

Submission:

GeneDx
Classification: Uncertain significance. Last evaluated: 2017-01-18. Review status: criteria provided, single submitter. Criteria: GeneDx Variant Classification (06012015). Collection method: clinical testing. Allele origin: germline. Affected: yes.
Comment: A variant of uncertain significance has been identified in the ACTN2 gene. The T827S variant has not been published as a pathogenic variant, nor has it been reported as a benign variant to our knowledge. This variant was not observed in approximately 6,500 individuals of European and African American ancestry in the NHLBI Exome Sequencing Project, indicating it is not a common benign variant in these populations. This substitution occurs at a position that is conserved across species, and in silico analysis predicts this variant is probably damaging to the protein structure/function. However, the T827S variant is a conservative amino acid substitution, which is not likely to impact secondary protein structure as these residues share similar properties. Furthermore, to our knowledge no studies have been performed to determine the functional effect of the T827S variant.

NM_001103.4(ACTN2):c.2480C>G (p.Thr827Ser)

Gene: ACTN2 (actinin alpha 2; plus strand). Cytogenetic location: 1q43.
Variant type: single nucleotide variant.
Coding change: c.2480C>G on transcript NM_001103.4 (MANE Select); coding-DNA position 2480, C replaced by G.
Protein change: p.Thr827Ser; replaces threonine 827 with serine.
Molecular consequence: missense variant.
Genome position (GRCh38, 1-based): chr1:236,761,127, C>G. VCF-style: chr1-236761127-C-G. GRCh37 (hg19) VCF-style: chr1-236924427-C-G.
Other names: c.2480C>G, p.Thr827Ser (NM_001278343.2); c.1856C>G, p.Thr619Ser (NM_001278344.2); short protein forms T827S, T619S.
Identifiers: ClinVar variation 393062 (VCV000393062.2), dbSNP rs1057524767, ClinGen allele CA16603542.